The following is an entry in ClinVar:

ClinVar aggregate classification (germline): Conflicting classifications of pathogenicity. Review status: criteria provided, conflicting classifications (1 of 4 stars). 2 submissions from 2 submitters: Uncertain significance (1); Likely benign (1). Last evaluated 2025-06-12.

Conditions:
Developmental and epileptic encephalopathy, 42 (DEE42A). Also called: DEVELOPMENTAL AND EPILEPTIC ENCEPHALOPATHY 42A; EPILEPTIC ENCEPHALOPATHY, EARLY INFANTILE, 42A; Epileptic encephalopathy, early infantile, 42. Identifiers: MedGen C4310716, MONDO:0014917, OMIM 617106.
Episodic ataxia type 2 (EA2). Also called: ACETAZOLAMIDE-RESPONSIVE HEREDITARY PAROXYSMAL CEREBELLAR ATAXIA; EPISODIC ATAXIA, NYSTAGMUS-ASSOCIATED; ATAXIA, EPISODIC, WITH NYSTAGMUS; ATAXIA, FAMILIAL PAROXYSMAL; CEREBELLAR ATAXIA, PAROXYSMAL, ACETAZOLAMIDE-RESPONSIVE; CEREBELLOPATHY, HEREDITARY PAROXYSMAL. Identifiers: Orphanet 97, MedGen C1720416, MONDO:0007163, OMIM 108500.

Allele frequency attached by ClinVar (database versions not stated): gnomAD 0.00004; TOPMed 0.00008; ESP Exome Variant Server 0.00008; 1000 Genomes Project 0.00040; 1000 Genomes Project 30x 0.00031.

Submissions (2):

Labcorp Genetics (formerly Invitae), Labcorp
Classification: Uncertain significance for Developmental and epileptic encephalopathy, 42; Episodic ataxia type 2. Last evaluated: 2025-06-12. Review status: criteria provided, single submitter. Criteria: Invitae Variant Classification Sherloc (09022015). Collection method: clinical testing. Allele origin: germline.
Comment: This sequence change falls in intron 35 of the CACNA1A gene. It does not directly change the encoded amino acid sequence of the CACNA1A protein. It affects a nucleotide within the consensus splice site. This variant is present in population databases (rs375947967, gnomAD 0.03%). This variant has not been reported in the literature in individuals affected with CACNA1A-related conditions. ClinVar contains an entry for this variant (Variation ID: 1015196). Variants that disrupt the consensus splice site are a relatively common cause of aberrant splicing (PMID: 17576681, 9536098). Algorithms developed to predict the effect of sequence changes on RNA splicing suggest that this variant is not likely to affect RNA splicing. In summary, the available evidence is currently insufficient to determine the role of this variant in disease. Therefore, it has been classified as a Variant of Uncertain Significance.

GeneDx
Classification: Likely benign. Last evaluated: 2020-07-01. Review status: criteria provided, single submitter. Criteria: GeneDx Variant Classification Process June 2021. Collection method: clinical testing. Allele origin: germline. Affected: yes.

Literature cited by the submitters: PubMed 17576681 (cited by Labcorp Genetics (formerly Invitae), Labcorp); PubMed 9536098 (cited by Labcorp Genetics (formerly Invitae), Labcorp).

NM_001127222.2(CACNA1A):c.5401-3C>T

Gene: CACNA1A (calcium voltage-gated channel subunit alpha1 A; minus strand). Cytogenetic location: 19p13.13.
Variant type: single nucleotide variant.
Coding change: c.5401-3C>T on transcript NM_001127222.2 (MANE Select); 3 bases into the intron before coding-DNA position 5401, C replaced by T.
Molecular consequence: intron variant.
Genome position (GRCh38, 1-based): chr19:13,230,212, G>A on the plus strand (C>T on the coding strand, the complement: CACNA1A is on the minus strand). VCF-style: chr19-13230212-G-A. GRCh37 (hg19) VCF-style: chr19-13341026-G-A.
Other names: c.5404-3C>T (NM_001127221.2); c.5410-3C>T (NM_001174080.2); c.5419-3C>T (NM_000068.4, NM_023035.3).
Identifiers: ClinVar variation 1015196 (VCV001015196.11), dbSNP rs375947967, ClinGen allele CA9239737.
Genomic context (GRCh38, chr19:13,230,212, plus strand): 5'-AGTCTCGGGTGAGGTACTCAAAGTTGTCCATGATGACGGCGACAAAGAGATTCAGCATCT[G>A]TGGGGACCCCGGGGACCAAGAGAGAATGGGGGCAGAGACCGAGGGAATGAATGAGTGAGT-3'